The following is an entry in ClinVar:

NM_001009944.3(PKD1):c.7616T>G (p.Leu2539Arg)

Gene: PKD1 (polycystin 1, transient receptor potential channel interacting; minus strand). Cytogenetic location: 16p13.3.
Variant type: single nucleotide variant.
Coding change: c.7616T>G on transcript NM_001009944.3 (MANE Select); coding-DNA position 7616, T replaced by G.
Protein change: p.Leu2539Arg; replaces leucine 2539 with arginine.
Molecular consequence: missense variant.
Genome position (GRCh38, 1-based): chr16:2,106,178, A>C on the plus strand (T>G on the coding strand, the complement: PKD1 is on the minus strand). VCF-style: chr16-2106178-A-C. GRCh37 (hg19) VCF-style: chr16-2156179-A-C.
Other names: c.7616T>G, p.Leu2539Arg (NM_000296.4); short protein forms L2539R.
Identifiers: ClinVar variation 1695480 (VCV001695480.3), dbSNP rs2151771879, ClinGen allele CA394368493.

ClinVar aggregate classification (germline): Conflicting classifications of pathogenicity. Review status: criteria provided, conflicting classifications (1 of 4 stars). 2 submissions from 2 submitters: Likely pathogenic (1); Uncertain significance (1). Last evaluated 2026-04-28.

Submissions (2):

Women's Health and Genetics/Laboratory Corporation of America, LabCorp
Classification: Uncertain significance. Last evaluated: 2026-04-28. Review status: criteria provided, single submitter. Criteria: LabCorp Variant Classification Summary - May 2015. Collection method: clinical testing. Allele origin: germline.
Comment: Variant summary: PKD1 c.7616T>G (p.Leu2539Arg) results in a non-conservative amino acid change in the encoded protein sequence. Algorithms developed to predict the effect of missense changes on protein structure and function all suggest that this variant is likely to be disruptive. The variant was absent in 238214 control chromosomes. The available data on variant occurrences in the general population are insufficient to allow any conclusion about variant significance. c.7616T>G has been observed in an individual affected with Polycystic Kidney Disease 1 and family history of Polycystic Kidney Disease (in the mother and brother) (Ozyavuz Cubuk_2024). These data do not allow any conclusion about variant significance. To our knowledge, no experimental evidence demonstrating an impact on protein function has been reported. The following publication have been ascertained in the context of this evaluation (PMID: 38971859). ClinVar contains an entry for this variant (Variation ID: 1695480). Based on the evidence outlined above, the variant was classified as uncertain significance.

GeneDx
Classification: Likely pathogenic. Last evaluated: 2022-02-25. Review status: criteria provided, single submitter. Criteria: GeneDx Variant Classification Process June 2021. Collection method: clinical testing. Allele origin: germline. Affected: yes.
Comment: Not observed at significant frequency in large population cohorts (gnomAD); In silico analysis supports that this missense variant has a deleterious effect on protein structure/function; Has not been previously published as pathogenic or benign to our knowledge

Literature cited by the submitters: PubMed 38971859 (cited by Women's Health and Genetics/Laboratory Corporation of America, LabCorp).